The following is an entry in ClinVar:

ClinVar aggregate classification (germline): Uncertain significance (1 of 4 stars; one submission).

Allele frequency attached by ClinVar (database versions not stated): gnomAD exomes 0.00001; TOPMed 0.00001; ExAC 0.00004.

Submission:

Centre of Medical Genetics, University Hospital Muenster
Classification: Uncertain significance. Last evaluated: 2022-11-25. Review status: criteria provided, single submitter. Criteria: ACMG Guidelines, 2015. Collection method: clinical testing. Allele origin: unknown. Affected: yes. Observed: 1 variant allele, 1 heterozygote.
Comment: ACMG categories: PM2,PM4

NM_015021.3(ZNF292):c.3413_3415del (p.Lys1138_Gly1139delinsSer)

Gene: ZNF292 (zinc finger protein 292; plus strand). Cytogenetic location: 6q14.3.
Variant type: Deletion.
Coding change: c.3413_3415del on transcript NM_015021.3 (MANE Select); coding-DNA positions 3413 to 3415, 3 bases deleted (AAG; older notation c.3413_3415delAAG).
Protein change: p.Lys1138_Gly1139delinsSer.
Molecular consequence: inframe indel.
Genome position (GRCh38, 1-based): chr6:87,257,042-87,257,044, AAG deleted. VCF-style (leftmost placement, unchanged base first): chr6-87257041-AAAG-A. GRCh37 (hg19) VCF-style: chr6-87966759-AAAG-A.
Other names: c.2993_2995del, p.Lys998_Gly999delinsSer (NM_001351444.2).
Identifiers: ClinVar variation 2430336 (VCV002430336.2), dbSNP rs781747677, ClinGen allele CA3914108.
Genomic context (GRCh38, chr6:87,257,041, plus strand): 5'-CACATGAAGACAGCACACCCTGACCAATATGCTGCATTTAAAATGCAGCGCAAAAGTAAA[AAAG>A]GTCAGAAAGCTAACAACTTAAATACACCAAATAATGGAAAGTTTGTTTATTTTTTGCCAT-3'